The following is an entry in ClinVar:

ClinVar aggregate classification (germline): Uncertain significance. Review status: criteria provided, multiple submitters, no conflicts (2 of 4 stars). 2 submissions from 2 submitters: Uncertain significance (2). Last evaluated 2025-10-18.

Conditions:
Inborn genetic diseases. Identifiers: MedGen C0950123, MeSH D030342.

Submissions (2):

Ambry Genetics
Classification: Uncertain significance for Inborn genetic diseases. Last evaluated: 2025-10-18. Review status: criteria provided, single submitter. Criteria: Ambry Variant Classification Scheme 2023. Collection method: clinical testing. Allele origin: germline.

Labcorp Genetics (formerly Invitae), Labcorp
Classification: Uncertain significance. Last evaluated: 2022-11-27. Review status: criteria provided, single submitter. Criteria: Invitae Variant Classification Sherloc (09022015). Collection method: clinical testing. Allele origin: germline.
Comment: This sequence change replaces glutamine, which is neutral and polar, with histidine, which is basic and polar, at codon 87 of the NLRP1 protein (p.Gln87His). In summary, the available evidence is currently insufficient to determine the role of this variant in disease. Therefore, it has been classified as a Variant of Uncertain Significance. Algorithms developed to predict the effect of missense changes on protein structure and function (SIFT, PolyPhen-2, Align-GVGD) all suggest that this variant is likely to be tolerated. This variant has not been reported in the literature in individuals affected with NLRP1-related conditions. This variant is not present in population databases (gnomAD no frequency).

NM_033004.4(NLRP1):c.261G>C (p.Gln87His)

Gene: NLRP1 (NLR family pyrin domain containing 1; minus strand). Cytogenetic location: 17p13.2.
Variant type: single nucleotide variant.
Coding change: c.261G>C on transcript NM_033004.4 (MANE Select); coding-DNA position 261, G replaced by C.
Protein change: p.Gln87His; replaces glutamine 87 with histidine.
Molecular consequence: missense variant.
Genome position (GRCh38, 1-based): chr17:5,583,697, C>G on the plus strand (G>C on the coding strand, the complement: NLRP1 is on the minus strand). VCF-style: chr17-5583697-C-G. GRCh37 (hg19) VCF-style: chr17-5487017-C-G.
Other names: c.261G>C, p.Gln87His (NM_001033053.3, NM_014922.5, NM_033006.4 and 1 more transcripts); c.261G>C (NM_033004.3); short protein forms Q87H.
Identifiers: ClinVar variation 2867383 (VCV002867383.4), dbSNP rs2508142536, ClinGen allele CA397390637.